The following is an entry in ClinVar:

ClinVar aggregate classification (germline): Uncertain significance. Review status: criteria provided, single submitter (1 of 4 stars). 2 submissions from 2 submitters: Uncertain significance (1). 1 of the submissions does not count toward it. Last evaluated 2021-08-24.

Conditions:
Sandhoff disease. Also called: Beta-hexosaminidase-beta-subunit deficiency; GM2 gangliosidosis, type 2; Total hexosaminidase deficiency; Sandhoff-Jatzkewitz-Pilz disease; GM2-GANGLIOSIDOSIS, TYPE II; HEXOSAMINIDASES A AND B DEFICIENCY. Identifiers: Orphanet 796, MedGen C0036161, MONDO:0010006, OMIM 268800.

Allele frequency attached by ClinVar (database versions not stated): gnomAD exomes 0.00001 and 0.00002; gnomAD 0.00002; ExAC 0.00003.
gnomAD v4.1: 24 of 1,610,750 alleles (0.0015%); highest among the groups gnomAD compares: Middle Eastern, 0.016%; no homozygotes.

Submissions (2):

Labcorp Genetics (formerly Invitae), Labcorp
Classification: Uncertain significance for Sandhoff disease. Last evaluated: 2021-08-24. Review status: criteria provided, single submitter. Criteria: Invitae Variant Classification Sherloc (09022015). Collection method: clinical testing. Allele origin: germline.
Comment: This sequence change replaces glutamine with leucine at codon 347 of the HEXB protein (p.Gln347Leu). The glutamine residue is weakly conserved and there is a moderate physicochemical difference between glutamine and leucine. This variant is present in population databases (rs754108567, ExAC 0.02%). This variant has not been reported in the literature in individuals affected with HEXB-related conditions. Algorithms developed to predict the effect of missense changes on protein structure and function (SIFT, PolyPhen-2, Align-GVGD) all suggest that this variant is likely to be tolerated. In summary, the available evidence is currently insufficient to determine the role of this variant in disease. Therefore, it has been classified as a Variant of Uncertain Significance.

Natera, Inc.
Classification: Uncertain significance for Sandhoff disease. Last evaluated: 2020-03-17. Review status: no assertion criteria provided. Collection method: clinical testing. Allele origin: germline. Not counted in ClinVar's aggregate classification.

NM_000521.4(HEXB):c.1040A>T (p.Gln347Leu)

Gene: HEXB (hexosaminidase subunit beta; plus strand). Cytogenetic location: 5q13.3.
Variant type: single nucleotide variant.
Coding change: c.1040A>T on transcript NM_000521.4 (MANE Select); coding-DNA position 1040, A replaced by T.
Protein change: p.Gln347Leu; replaces glutamine 347 with leucine.
Molecular consequence: missense variant.
Genome position (GRCh38, 1-based): chr5:74,715,648, A>T. VCF-style: chr5-74715648-A-T. GRCh37 (hg19) VCF-style: chr5-74011473-A-T.
Other names: c.365A>T, p.Gln122Leu (NM_001292004.2); short protein forms Q347L, Q122L.
Identifiers: ClinVar variation 950207 (VCV000950207.6), dbSNP rs754108567, ClinGen allele CA3306005.
Genomic context (GRCh38, chr5:74,715,648, plus strand): 5'-ATACAACATACAGCTTCCTTACTACATTTTTCAAAGAAATTAGTGAGGTGTTTCCAGATC[A>T]ATTCATTCATTTGGGAGGAGATGAAGTGGAATTTAAATGTTGGTAAGATGATTCCTTAAA-3'
Protein context (NP_000512.2, residues 337-357): FKEISEVFPD[Gln347Leu]FIHLGGDEVE